The following is an entry in ClinVar:

ClinVar aggregate classification (germline): Pathogenic. Review status: reviewed by expert panel (3 of 4 stars). 3 submissions from 3 submitters: Pathogenic (1). 2 of the submissions do not count toward it. Last evaluated 2021-08-24.

Conditions:
Monogenic diabetes. Identifiers: Orphanet 183625, MedGen C3888631, MONDO:0015967.
Maturity-onset diabetes of the young type 3. Also called: MODY type 3; MODY, type III. Identifiers: Orphanet 552, MedGen C1838100, MeSH C563933, MONDO:0010894, OMIM 600496. Disease mechanism: loss of function.

Submissions (3):

ClinGen Monogenic Diabetes Variant Curation Expert Panel
Classification: Pathogenic for Monogenic diabetes. Last evaluated: 2021-08-24. Review status: reviewed by expert panel. Criteria: ClinGen Diabetes ACMG Specifications v1 1. Collection method: curation. Allele origin: germline. Inheritance: Autosomal dominant inheritance.
Comment: The c.956-1G>C variant in the HNF1 homeobox A gene, HNF1A, is predicted to remove a canonical splice acceptor site in intron 4 of NM_000545.8. This variant is predicted to cause skipping of biologically-relevant exon 5 of 10, resulting in a frameshift, leading to nonsense mediated decay in a gene in which loss-of-function is an established disease mechanism (PVS1; PMID: 23348805). The nucleotide changes c.956-1G>T and c.956-1G>A, which are predicted to disrupt the intron 5 splice acceptor site to a similar extent as c.956-1G>C, have been reported in a patient with diabetes; however, these variants have not met the criteria to be classified as pathogenic for monogenic diabetes by the ClinGen MDEP without the use of PS1. This variant is also absent in gnomAD v2.1.1 (PM2_Supporting). This variant was identified in 7 unrelated individuals with non-autoimmune and non-absolute/near-absolute insulin-deficient diabetes (PS4; PMID 31658956, ClinVar ID 617646, internal lab contributors). At least one of these individuals had a clinical history highly specific for HNF1A-MODY (MODY probability calculator result >50%, sulfonylurea sensitive, and negative genetic testing for HNF4A) (PP4_Moderate; internal lab contributor). Taken together, this evidence supports the classification of this variant as pathogenic for monogenic diabetes. ACMG/AMP criteria applied, as specified by the ClinGen MDEP VCEP (specification version 1.0, approved 8/24/21: PVS1, PS4, PP4_moderate, PM2_Supporting.

Labcorp Genetics (formerly Invitae), Labcorp
Classification: Likely pathogenic. Last evaluated: 2022-11-06. Review status: criteria provided, single submitter. Criteria: Invitae Variant Classification Sherloc (09022015). Collection method: clinical testing. Allele origin: germline. Not counted in ClinVar's aggregate classification.
Comment: Studies have shown that disruption of this splice site is associated with altered splicing resulting in multiple RNA products (PMID: 19150152). In summary, the currently available evidence indicates that the variant is pathogenic, but additional data are needed to prove that conclusively. Therefore, this variant has been classified as Likely Pathogenic. This sequence change affects an acceptor splice site in intron 4 of the HNF1A gene. It is expected to disrupt RNA splicing. Variants that disrupt the donor or acceptor splice site typically lead to a loss of protein function (PMID: 16199547), and loss-of-function variants in HNF1A are known to be pathogenic (PMID: 15928245, 18003757). This variant is not present in population databases (gnomAD no frequency). Disruption of this splice site has been observed in individuals with clinical features of maturity-onset diabetes of the young (PMID: 19150152; Invitae). ClinVar contains an entry for this variant (Variation ID: 617646).

Translational Genomics Laboratory, University of Maryland School of Medicine
Classification: Pathogenic for Maturity-onset diabetes of the young, type 3. Last evaluated: 2017-06-15. Review status: criteria provided, single submitter. Criteria: ACMG Guidelines, 2015. Collection method: clinical testing. Allele origin: germline. Affected: yes. Not counted in ClinVar's aggregate classification.
Comment: The c.956-1G>C variant in the HNF1A homeobox A gene, HNF1A, is predicted to remove a splice acceptor site in IVS4 (19339519). Canonical splice site variants can often be assumed to disrupt gene function by leading to a complete absence of the gene product by lack of transcription or nonsense-mediated decay of an altered transcript. A different nucleotide at this locus, c.956-1G>T, was previously shown to result in skipping of exon 5 and the generation of a premature stop codon (19150152). The c.956-1G>T variant segregated with a MODY phenotype in the family in which it was identified. The c.956-1G>C variant was not observed in the NHLBI Exome Sequencing Project, 1000 Genomes Project, or Exome Aggregation Consortium databases. Splice site mutations in the HNF1A gene, including ones in IVS4, have been reported previously in patients with a clinical picture consistent with Maturity-Onset Diabetes of the Young, Type 3 (MODY3) (23348805). Additionally, multiple lines of computational evidence (MutationTaster, CADD, GERP) predict this variant is probably damaging to the protein structure or function. ACMG criteria = PVS1, PM2, PP3

Literature cited by the submitters: PubMed 19150152 (cited by Labcorp Genetics (formerly Invitae), Labcorp and Translational Genomics Laboratory, University of Maryland School of Medicine); PubMed 16199547 (cited by Labcorp Genetics (formerly Invitae), Labcorp); PubMed 15928245 (cited by Labcorp Genetics (formerly Invitae), Labcorp); PubMed 18003757 (cited by Labcorp Genetics (formerly Invitae), Labcorp); PubMed 19339519 (cited by Translational Genomics Laboratory, University of Maryland School of Medicine); PubMed 23348805 (cited by Translational Genomics Laboratory, University of Maryland School of Medicine).

NM_000545.8(HNF1A):c.956-1G>C

Gene: HNF1A (HNF1 homeobox A; plus strand). Cytogenetic location: 12q24.31.
Variant type: single nucleotide variant.
Coding change: c.956-1G>C on transcript NM_000545.8 (MANE Select); the canonical splice acceptor site of the intron before coding-DNA position 956, G replaced by C.
Molecular consequence: splice acceptor variant.
Genome position (GRCh38, 1-based): chr12:120,996,261, G>C. VCF-style: chr12-120996261-G-C. GRCh37 (hg19) VCF-style: chr12-121434064-G-C.
Other names: NM_000545.6(HNF1A):c.956-1G>C; c.956-1G>C (NM_001306179.2, NM_001406915.1).
Identifiers: ClinVar variation 617646 (VCV000617646.7), dbSNP rs1565886545, ClinGen allele CA386967823.
Genomic context (GRCh38, chr12:120,996,261, plus strand): 5'-GTGGAGGCAGGGGAGGGCAGGGAAGTGGGGTGCTGAGGCAGGACACTGCTTCCCTCTCCA[G>C]GTGTGCGCTATGGACAGCCTGCGACCAGTGAGACTGCAGAAGTACCCTCAAGCAGCGGCG-3'